The following is an entry in ClinVar:

NM_001848.3(COL6A1):c.428+1G>A

Gene: COL6A1 (collagen type VI alpha 1 chain; plus strand). Cytogenetic location: 21q22.3.
Variant type: single nucleotide variant.
Coding change: c.428+1G>A on transcript NM_001848.3 (MANE Select); the canonical splice donor site of the intron after coding-DNA position 428, G replaced by A.
Molecular consequence: splice donor variant.
Genome position (GRCh38, 1-based): chr21:45,984,470, G>A. VCF-style: chr21-45984470-G-A. GRCh37 (hg19) VCF-style: chr21-47404384-G-A.
Other names: IVS3DS, G-A, +1.
Identifiers: ClinVar variation 17176 (VCV000017176.14), dbSNP rs1569517717, ClinGen allele CA410516473.

ClinVar aggregate classification (germline): Pathogenic. Review status: criteria provided, multiple submitters, no conflicts (2 of 4 stars). 4 submissions from 4 submitters: Pathogenic (3). 1 of the submissions does not count toward it. Last evaluated 2026-06-30.

Conditions:
Ullrich congenital muscular dystrophy 1A. Also called: Intermediate COL6-RD; Ullrich congenital muscular dystrophy 1. Identifiers: Orphanet 75840, MedGen C0410179, MONDO:0009681, OMIM 254090.
Bethlem myopathy 1A. Also called: Bethlem Muscular Dystrophy; Bethlem myopathy 1; MYOPATHY, BENIGN CONGENITAL, WITH CONTRACTURES. Identifiers: Orphanet 610, MedGen CN029274, MONDO:0024530, OMIM 158810.

Submissions (4):

Department of Human Genetics, Hannover Medical School
Classification: Pathogenic for Bethlem myopathy 1A. Last evaluated: 2026-06-30. Review status: criteria provided, single submitter. Criteria: ACMG Guidelines, 2015. Collection method: clinical testing. Allele origin: germline. Affected: yes.
Comment: PS4, PM2_Supporting, PP1_Strong, PP3

Labcorp Genetics (formerly Invitae), Labcorp
Classification: Pathogenic for Bethlem myopathy 1A. Last evaluated: 2025-02-17. Review status: criteria provided, single submitter. Criteria: Invitae Variant Classification Sherloc (09022015). Collection method: clinical testing. Allele origin: germline.
Comment: This sequence change affects a donor splice site in intron 3 of the COL6A1 gene. RNA analysis indicates that disruption of this splice site induces altered splicing and likely results in the loss of 22 amino acid residue(s), but is expected to preserve the integrity of the reading-frame. This variant is not present in population databases (gnomAD no frequency). Disruption of this splice site has been observed in individuals with autosomal dominant Bethlem myopathy (PMID: 11932968, 25535305, 28831785). It has also been observed to segregate with disease in related individuals. ClinVar contains an entry for this variant (Variation ID: 17176). Studies have shown that disruption of this splice site results in the activation of a cryptic splice site in exon 3 (PMID: 11932968). For these reasons, this variant has been classified as Pathogenic.

Juno Genomics, Hangzhou Juno Genomics, Inc
Classification: Pathogenic for Bethlem myopathy 1A; Ullrich congenital muscular dystrophy 1A. Review status: criteria provided, single submitter. Criteria: ACMG Guidelines, 2015. Collection method: clinical testing. Allele origin: germline. Affected: yes.
Comment: Null variant in a gene where loss of function (LOF) is a known mechanism of disease.;Absent from controls (or at extremely low frequency if recessive) in Genome Aggregation Database, Exome Sequencing Project, 1000 Genomes Project, or Exome Aggregation Consortium.;The prevalence of the variant in affected individuals is significantly increased compared to the prevalence in controls.;Co-segregation with disease in multiple affected family members in a gene definitively known to cause the disease.;Patient's phenotype or family history is highly specific for a disease with a single genetic etiology.

OMIM
Classification: Pathogenic for BETHLEM MYOPATHY 1A. Last evaluated: 2002-04-01. Review status: no assertion criteria provided. Collection method: literature only. Allele origin: germline. Not counted in ClinVar's aggregate classification.

Literature cited by the submitters: PubMed 11932968 (cited by Labcorp Genetics (formerly Invitae), Labcorp and OMIM); PubMed 25535305 (cited by Labcorp Genetics (formerly Invitae), Labcorp); PubMed 28831785 (cited by Labcorp Genetics (formerly Invitae), Labcorp); PubMed 7881296 (cited by OMIM).